The following is an entry in ClinVar:

NM_001164508.2(NEB):c.12782delinsTAACCTTCCACCAAC (p.Gly4261fs)

Gene: NEB (nebulin; minus strand). Cytogenetic location: 2q23.3.
Variant type: Indel.
Coding change: c.12782delinsTAACCTTCCACCAAC on transcript NM_001164508.2 (MANE Select); coding-DNA position 12782, G replaced by TAACCTTCCACCAAC.
Protein change: p.Gly4261fs; shifts the reading frame from glycine 4261.
Molecular consequence: frameshift variant. On other transcripts: intron variant (1).
Genome position (GRCh38, 1-based): chr2:151,604,837, C replaced by GTTGGTGGAAGGTTA on the plus strand (G replaced by TAACCTTCCACCAAC on the coding strand, the reverse complement: NEB is on the minus strand). VCF-style: chr2-151604837-C-GTTGGTGGAAGGTTA. GRCh37 (hg19) VCF-style: chr2-152461351-C-GTTGGTGGAAGGTTA.
Other names: c.12782delinsTAACCTTCCACCAAC, p.Gly4261fs (NM_001164507.2, NM_001271208.2); c.11601+4972delinsTAACCTTCCACCAAC (NM_004543.5); short protein forms G4261fs.
Identifiers: ClinVar variation 1366908 (VCV001366908.6), dbSNP rs2153940785, ClinGen allele CA2573133420.

ClinVar aggregate classification (germline): Pathogenic (1 of 4 stars; one submission).

Conditions:
Nemaline myopathy 2 (NEM2). Also called: Nemaline myopathy 2, autosomal recessive. Identifiers: MedGen C1850569, MONDO:0009725, OMIM 256030.

Submission:

Labcorp Genetics (formerly Invitae), Labcorp
Classification: Pathogenic for Nemaline myopathy 2. Last evaluated: 2021-09-14. Review status: criteria provided, single submitter. Criteria: Invitae Variant Classification Sherloc (09022015). Collection method: clinical testing. Allele origin: germline.
Comment: This sequence change creates a premature translational stop signal (p.Gly4261Valfs*52) in the NEB gene. It is expected to result in an absent or disrupted protein product. Loss-of-function variants in NEB are known to be pathogenic (PMID: 25205138). The frequency data for this variant in the population databases (ExAC) is considered unreliable due to the presence of homologous sequence, such as pseudogenes or paralogs, in the genome. This variant has not been reported in the literature in individuals affected with NEB-related conditions. Algorithms developed to predict the effect of sequence changes on RNA splicing suggest that this variant may create or strengthen a splice site. For these reasons, this variant has been classified as Pathogenic. This variant occurs in a region of NEB (Exons 82-105) consisting of three highly homologous 8-exon repeat units (exons 82-89, exons 90-97, exons 98-105). Sequence variants in this region can be detected, but this assay cannot determine which of the three repeat units is affected, and zygosity is often ambiguous. All variants in this region are reported relative to the exon 82-89 repeat.

Literature cited by the submitters: PubMed 25205138.